The following is an entry in ClinVar:

ClinVar aggregate classification (germline): Pathogenic (1 of 4 stars; one submission).

Allele frequency attached by ClinVar (database versions not stated): gnomAD exomes below 0.00001.
gnomAD v4.1: 1 of 1,588,500 alleles (0.000063%); highest among the groups gnomAD compares: Non-Finnish European, 0.000086%; no homozygotes.

Submission:

GeneDx
Classification: Pathogenic. Last evaluated: 2023-10-17. Review status: criteria provided, single submitter. Criteria: GeneDx Variant Classification Process June 2021. Collection method: clinical testing. Allele origin: germline. Affected: yes.
Comment: Intronic variant directly or indirectly altering the +5 splice site in a gene for which loss of function is a known mechanism of disease, and splice predictors support a deleterious effect; Not observed at significant frequency in large population cohorts (gnomAD); This variant is associated with the following publications: (PMID: 27485761)

NM_002448.3(MSX1):c.469+5G>A

Gene: MSX1 (msh homeobox 1; plus strand). Cytogenetic location: 4p16.2.
Variant type: single nucleotide variant.
Coding change: c.469+5G>A on transcript NM_002448.3 (MANE Select); 5 bases into the intron after coding-DNA position 469, G replaced by A.
Molecular consequence: intron variant.
Genome position (GRCh38, 1-based): chr4:4,860,373, G>A. VCF-style: chr4-4860373-G-A. GRCh37 (hg19) VCF-style: chr4-4862100-G-A.
Identifiers: ClinVar variation 3253075 (VCV003253075.1), dbSNP rs2108777804.
Genomic context (GRCh38, chr4:4,860,373, plus strand): 5'-GAAGCCCGAGAGGACCCCGTGGATGCAGAGCCCCCGCTTCTCCCCGCCGCCGGCCAGTGA[G>A]TAGCCAGAACCCAGGCGCAGAGGGAGGGGGCCGGGTGGGGGCCGGGTGGGGTGTGGGACC-3'